The following is an entry in ClinVar:

ClinVar aggregate classification (germline): Uncertain significance (1 of 4 stars; one submission).

Conditions:
Charcot-Marie-Tooth disease type 2. Also called: Charcot-Marie-Tooth type 2. Identifiers: Orphanet 64746, MedGen C0270914, MONDO:0018993.

gnomAD v4.1: 1 of 1,614,126 alleles (0.000062%); highest among the groups gnomAD compares: Non-Finnish European, 0.000085%; no homozygotes.

Submission:

Labcorp Genetics (formerly Invitae), Labcorp
Classification: Uncertain significance for Charcot-Marie-Tooth disease type 2. Last evaluated: 2017-11-28. Review status: criteria provided, single submitter. Criteria: Invitae Variant Classification Sherloc (09022015). Collection method: clinical testing. Allele origin: germline.
Comment: In summary, the available evidence is currently insufficient to determine the role of this variant in disease. Therefore, it has been classified as a Variant of Uncertain Significance. Algorithms developed to predict the effect of missense changes on protein structure and function do not agree on the potential impact of this missense change (SIFT: "Deleterious"; PolyPhen-2: "Probably Damaging"; Align-GVGD: "Class C0"). This variant has not been reported in the literature in individuals with AARS-related disease. This variant is not present in population databases (ExAC no frequency). This sequence change replaces arginine with glycine at codon 303 of the AARS protein (p.Arg303Gly). The arginine residue is highly conserved and there is a moderate physicochemical difference between arginine and glycine.

NM_001605.3(AARS1):c.907C>G (p.Arg303Gly)

Gene: AARS1 (alanyl-tRNA synthetase 1; minus strand). Cytogenetic location: 16q22.1.
Variant type: single nucleotide variant.
Coding change: c.907C>G on transcript NM_001605.3 (MANE Select); coding-DNA position 907, C replaced by G.
Protein change: p.Arg303Gly; replaces arginine 303 with glycine.
Molecular consequence: missense variant.
Genome position (GRCh38, 1-based): chr16:70,269,673, G>C on the plus strand (C>G on the coding strand, the complement: AARS1 is on the minus strand). VCF-style: chr16-70269673-G-C. GRCh37 (hg19) VCF-style: chr16-70303576-G-C.
Other names: short protein forms R303G.
Identifiers: ClinVar variation 1011866 (VCV001011866.8), dbSNP rs1302363015, ClinGen allele CA396564592.